The following is an entry in ClinVar:

NM_001184.4(ATR):c.3088A>G (p.Ile1030Val)

Gene: ATR (ATR checkpoint kinase; minus strand). Cytogenetic location: 3q23.
Variant type: single nucleotide variant.
Coding change: c.3088A>G on transcript NM_001184.4 (MANE Select); coding-DNA position 3088, A replaced by G.
Protein change: p.Ile1030Val; replaces isoleucine 1030 with valine.
Molecular consequence: missense variant.
Genome position (GRCh38, 1-based): chr3:142,549,562, T>C on the plus strand (A>G on the coding strand, the complement: ATR is on the minus strand). VCF-style: chr3-142549562-T-C. GRCh37 (hg19) VCF-style: chr3-142268404-T-C.
Other names: c.2896A>G, p.Ile966Val (NM_001354579.2); short protein forms I966V, I1030V.
Identifiers: ClinVar variation 1038946 (VCV001038946.8), dbSNP rs2034399947, ClinGen allele CA354812372.

ClinVar aggregate classification (germline): Uncertain significance (1 of 4 stars; one submission).

Submission:

Labcorp Genetics (formerly Invitae), Labcorp
Classification: Uncertain significance. Last evaluated: 2020-10-19. Review status: criteria provided, single submitter. Criteria: Invitae Variant Classification Sherloc (09022015). Collection method: clinical testing. Allele origin: germline.
Comment: Algorithms developed to predict the effect of missense changes on protein structure and function are either unavailable or do not agree on the potential impact of this missense change (SIFT: "Tolerated"; PolyPhen-2: "Possibly Damaging"; Align-GVGD: "Class C0"). In summary, the available evidence is currently insufficient to determine the role of this variant in disease. Therefore, it has been classified as a Variant of Uncertain Significance. This variant has not been reported in the literature in individuals with ATR-related conditions. This variant is not present in population databases (ExAC no frequency). This sequence change replaces isoleucine with valine at codon 1030 of the ATR protein (p.Ile1030Val). The isoleucine residue is moderately conserved and there is a small physicochemical difference between isoleucine and valine.